The following is an entry in ClinVar:

ClinVar aggregate classification (germline): Uncertain significance (1 of 4 stars; one submission).

Submission:

Labcorp Genetics (formerly Invitae), Labcorp
Classification: Uncertain significance. Last evaluated: 2026-01-05. Review status: criteria provided, single submitter. Criteria: Invitae Variant Classification Sherloc (09022015). Collection method: clinical testing. Allele origin: germline.
Comment: This sequence change replaces isoleucine, which is neutral and non-polar, with leucine, which is neutral and non-polar, at codon 2071 of the TRRAP protein (p.Ile2071Leu). This variant is not present in population databases (gnomAD no frequency). This variant has not been reported in the literature in individuals affected with TRRAP-related conditions. ClinVar contains an entry for this variant (Variation ID: 2860641). Invitae Evidence Modeling of protein sequence and biophysical properties (such as structural, functional, and spatial information, amino acid conservation, physicochemical variation, residue mobility, and thermodynamic stability) indicates that this missense variant is not expected to disrupt TRRAP protein function with a negative predictive value of 80%. In summary, the available evidence is currently insufficient to determine the role of this variant in disease. Therefore, it has been classified as a Variant of Uncertain Significance.

NM_001375524.1(TRRAP):c.6286A>C (p.Ile2096Leu)

Gene: TRRAP (transformation/transcription domain associated protein; plus strand). Cytogenetic location: 7q22.1.
Variant type: single nucleotide variant.
Coding change: c.6286A>C on transcript NM_001375524.1 (MANE Select); coding-DNA position 6286, A replaced by C.
Protein change: p.Ile2096Leu; replaces isoleucine 2096 with leucine.
Molecular consequence: missense variant.
Genome position (GRCh38, 1-based): chr7:98,958,035, A>C. VCF-style: chr7-98958035-A-C. GRCh37 (hg19) VCF-style: chr7-98555658-A-C.
Other names: c.6265A>C, p.Ile2089Leu (NM_001244580.2); c.6211A>C, p.Ile2071Leu (NM_003496.4); short protein forms I2089L, I2096L, I2071L.
Identifiers: ClinVar variation 2860641 (VCV002860641.3), dbSNP rs781830985, ClinGen allele CA368328654.